The following is an entry in ClinVar:

NM_017534.6(MYH2):c.5045G>A (p.Arg1682His)

Genes: MYH2 (myosin heavy chain 2; minus strand), MYHAS (myosin heavy chain gene cluster antisense RNA; plus strand), LOC126862500 (BRD4-independent group 4 enhancer GRCh37_chr17:10427829-10429028; plus strand). Cytogenetic location: 17p13.1.
Variant type: single nucleotide variant.
Coding change: c.5045G>A on transcript NM_017534.6 (MANE Select); coding-DNA position 5045, G replaced by A.
Protein change: p.Arg1682His; replaces arginine 1682 with histidine.
Molecular consequence: missense variant.
Genome position (GRCh38, 1-based): chr17:10,524,596, C>T on the plus strand (G>A on the coding strand, the complement: MYH2 is on the minus strand). VCF-style: chr17-10524596-C-T. GRCh37 (hg19) VCF-style: chr17-10427913-C-T.
Other names: c.5045G>A, p.Arg1682His (NM_001100112.2); short protein forms R1682H.
Identifiers: ClinVar variation 966188 (VCV000966188.38), dbSNP rs145099248, ClinGen allele CA8390502.

ClinVar aggregate classification (germline): Uncertain significance. Review status: criteria provided, multiple submitters, no conflicts (2 of 4 stars). 3 submissions from 3 submitters: Uncertain significance (3). Last evaluated 2026-01-27.

Conditions:
Inborn genetic diseases. Identifiers: MedGen C0950123, MeSH D030342.
Myopathy, proximal, and ophthalmoplegia (CMYO6). Also called: CONGENITAL MYOPATHY 6 WITH OPHTHALMOPLEGIA; INCLUSION BODY MYOPATHY 3, AUTOSOMAL DOMINANT; MYOPATHY WITH CONGENITAL JOINT CONTRACTURES, OPHTHALMOPLEGIA, AND RIMMED VACUOLES. Identifiers: Orphanet 363677, Orphanet 79091, MedGen C1854106, MONDO:0011577, OMIM 605637.

Allele frequency attached by ClinVar (database versions not stated): gnomAD exomes 0.00002 and 0.00005; gnomAD 0.00004 and 0.00005; ExAC 0.00005; TOPMed 0.00005; ESP Exome Variant Server 0.00008.
gnomAD v4.1: 44 of 1,614,102 alleles (0.0027%); highest among the groups gnomAD compares: Middle Eastern, 0.016%; no homozygotes.

Submissions (3):

Labcorp Genetics (formerly Invitae), Labcorp
Classification: Uncertain significance for Myopathy, proximal, and ophthalmoplegia. Last evaluated: 2026-01-27. Review status: criteria provided, single submitter. Criteria: Invitae Variant Classification Sherloc (09022015). Collection method: clinical testing. Allele origin: germline.
Comment: This sequence change replaces arginine, which is basic and polar, with histidine, which is basic and polar, at codon 1682 of the MYH2 protein (p.Arg1682His). This variant is present in population databases (rs145099248, gnomAD 0.01%). This variant has not been reported in the literature in individuals affected with MYH2-related conditions. ClinVar contains an entry for this variant (Variation ID: 966188). Invitae Evidence Modeling of protein sequence and biophysical properties (such as structural, functional, and spatial information, amino acid conservation, physicochemical variation, residue mobility, and thermodynamic stability) indicates that this missense variant is expected to disrupt MYH2 protein function with a positive predictive value of 80%. In summary, the available evidence is currently insufficient to determine the role of this variant in disease. Therefore, it has been classified as a Variant of Uncertain Significance.

Ambry Genetics
Classification: Uncertain significance for Inborn genetic diseases. Last evaluated: 2023-02-23. Review status: criteria provided, single submitter. Criteria: Ambry Variant Classification Scheme 2023. Collection method: clinical testing. Allele origin: germline.

CeGaT Center for Human Genetics Tuebingen
Classification: Uncertain significance. Last evaluated: 2022-10-01. Review status: criteria provided, single submitter. Criteria: CeGaT Center For Human Genetics Tuebingen Variant Classification Criteria Version 2. Collection method: clinical testing. Allele origin: germline. Affected: yes. Observed: 1 variant allele.